The following is an entry in ClinVar:

NM_000163.5(GHR):c.1206T>A (p.Asn402Lys)

Gene: GHR (growth hormone receptor; plus strand). Cytogenetic location: 5p12.
Variant type: single nucleotide variant.
Coding change: c.1206T>A on transcript NM_000163.5 (MANE Select); coding-DNA position 1206, T replaced by A.
Protein change: p.Asn402Lys; replaces asparagine 402 with lysine.
Molecular consequence: missense variant. On other transcripts: 3 prime UTR variant (1).
Genome position (GRCh38, 1-based): chr5:42,718,713, T>A. VCF-style: chr5-42718713-T-A. GRCh37 (hg19) VCF-style: chr5-42718815-T-A.
Other names: c.1227T>A, p.Asn409Lys (NM_001242399.2); c.1206T>A, p.Asn402Lys (NM_001242400.2, NM_001242401.4, NM_001242402.2 and 4 more transcripts); c.1140T>A, p.Asn380Lys (NM_001242460.2); c.*248T>A (NM_001242462.1); short protein forms N402K, N409K, N380K.
Identifiers: ClinVar variation 2986991 (VCV002986991.3), dbSNP rs2530778697, ClinGen allele CA359629710.
Genomic context (GRCh38, chr5:42,718,713, plus strand): 5'-CGACTCTGGACGTACCAGCTGTTGTGAACCTGACATTCTGGAGACTGATTTCAATGCCAA[T>A]GACATACATGAGGGTACCTCAGAGGTTGCTCAGCCACAGAGGTTAAAAGGGGAAGCAGAT-3'
Protein context (NP_000154.1, residues 392-412): PDILETDFNA[Asn402Lys]DIHEGTSEVA

ClinVar aggregate classification (germline): Uncertain significance (1 of 4 stars; one submission).

Submission:

Labcorp Genetics (formerly Invitae), Labcorp
Classification: Uncertain significance. Last evaluated: 2023-01-01. Review status: criteria provided, single submitter. Criteria: Invitae Variant Classification Sherloc (09022015). Collection method: clinical testing. Allele origin: germline.
Comment: This variant is not present in population databases (gnomAD no frequency). In summary, the available evidence is currently insufficient to determine the role of this variant in disease. Therefore, it has been classified as a Variant of Uncertain Significance. Advanced modeling of protein sequence and biophysical properties (such as structural, functional, and spatial information, amino acid conservation, physicochemical variation, residue mobility, and thermodynamic stability) performed at Invitae indicates that this missense variant is not expected to disrupt GHR protein function. This variant has not been reported in the literature in individuals affected with GHR-related conditions. This sequence change replaces asparagine, which is neutral and polar, with lysine, which is basic and polar, at codon 402 of the GHR protein (p.Asn402Lys).